The following is an entry in ClinVar:

NM_000944.5(PPP3CA):c.82C>T (p.Arg28Trp)

Gene: PPP3CA (protein phosphatase 3 catalytic subunit alpha; minus strand). Cytogenetic location: 4q24.
Variant type: single nucleotide variant.
Coding change: c.82C>T on transcript NM_000944.5 (MANE Select); coding-DNA position 82, C replaced by T.
Protein change: p.Arg28Trp; replaces arginine 28 with tryptophan.
Molecular consequence: missense variant.
Genome position (GRCh38, 1-based): chr4:101,196,093, G>A on the plus strand (C>T on the coding strand, the complement: PPP3CA is on the minus strand). VCF-style: chr4-101196093-G-A. GRCh37 (hg19) VCF-style: chr4-102117250-G-A.
Other names: c.82C>T, p.Arg28Trp (NM_001130691.2, NM_001130692.2); short protein forms R28W.
Identifiers: ClinVar variation 1408404 (VCV001408404.8), dbSNP rs770562478, ClinGen allele CA3024565.

ClinVar aggregate classification (germline): Uncertain significance. Review status: criteria provided, multiple submitters, no conflicts (2 of 4 stars). 2 submissions from 2 submitters: Uncertain significance (2). Last evaluated 2024-10-20.

Conditions:
Arthrogryposis, cleft palate, craniosynostosis, and impaired intellectual development. Identifiers: Orphanet 565858, MedGen C4748872, MONDO:0032642, OMIM 618265.
Developmental and epileptic encephalopathy 91. Also called: EPILEPTIC ENCEPHALOPATHY, INFANTILE OR EARLY CHILDHOOD, 1. Identifiers: MedGen C4540199, MONDO:0020630, OMIM 617711.

Allele frequency attached by ClinVar (database versions not stated): gnomAD exomes below 0.00001; ExAC 0.00001; TOPMed 0.00001.
gnomAD v4.1: 5 of 1,613,734 alleles (0.00031%); highest among the groups gnomAD compares: South Asian, 0.0011%; no homozygotes.

Submissions (2):

Labcorp Genetics (formerly Invitae), Labcorp
Classification: Uncertain significance. Last evaluated: 2024-10-20. Review status: criteria provided, single submitter. Criteria: Invitae Variant Classification Sherloc (09022015). Collection method: clinical testing. Allele origin: germline.
Comment: This sequence change replaces arginine, which is basic and polar, with tryptophan, which is neutral and slightly polar, at codon 28 of the PPP3CA protein (p.Arg28Trp). The frequency data for this variant in the population databases is considered unreliable, as metrics indicate poor data quality at this position in the gnomAD database. This variant has not been reported in the literature in individuals affected with PPP3CA-related conditions. ClinVar contains an entry for this variant (Variation ID: 1408404). Invitae Evidence Modeling of protein sequence and biophysical properties (such as structural, functional, and spatial information, amino acid conservation, physicochemical variation, residue mobility, and thermodynamic stability) has been performed for this missense variant. However, the output from this modeling did not meet the statistical confidence thresholds required to predict the impact of this variant on PPP3CA protein function. In summary, the available evidence is currently insufficient to determine the role of this variant in disease. Therefore, it has been classified as a Variant of Uncertain Significance.

Fulgent Genetics
Classification: Uncertain significance for Developmental and epileptic encephalopathy 91; Arthrogryposis, cleft palate, craniosynostosis, and impaired intellectual development. Last evaluated: 2024-01-20. Review status: criteria provided, single submitter. Criteria: ACMG Guidelines, 2015. Collection method: clinical testing. Allele origin: germline.